The following is an entry in ClinVar:

ClinVar aggregate classification (germline): Conflicting classifications of pathogenicity. Review status: criteria provided, conflicting classifications (1 of 4 stars). 3 submissions from 3 submitters: Uncertain significance (2); Likely benign (1). Last evaluated 2025-01-08.

Conditions:
Autosomal recessive nonsyndromic hearing loss 18B. Also called: Deafness, autosomal recessive 18b. Identifiers: Orphanet 90636, MedGen C3554163, MONDO:0013985, OMIM 614945.
OTOG-related disorder. Also called: OTOG-related condition.

Allele frequency attached by ClinVar (database versions not stated): gnomAD exomes 0.00003 and 0.00016; gnomAD 0.00005 and 0.00007; TOPMed 0.00007; 1000 Genomes Project 30x 0.00016; 1000 Genomes Project 0.00020; ExAC 0.00020.
gnomAD v4.1: 54 of 1,548,058 alleles (0.0035%); highest among the groups gnomAD compares: East Asian, 0.039%; no homozygotes.

Submissions (3):

PreventionGenetics, part of Exact Sciences
Classification: Likely benign for OTOG-related condition. Last evaluated: 2025-01-08. Review status: criteria provided, single submitter. Criteria: ACMG Guidelines, 2015. Collection method: clinical testing. Allele origin: germline.
Comment: This variant is classified as likely benign based on ACMG/AMP sequence variant interpretation guidelines (Richards et al. 2015 PMID: 25741868, with internal and published modifications).

Labcorp Genetics (formerly Invitae), Labcorp
Classification: Uncertain significance. Last evaluated: 2022-11-17. Review status: criteria provided, single submitter. Criteria: Invitae Variant Classification Sherloc (09022015). Collection method: clinical testing. Allele origin: germline.
Comment: In summary, the available evidence is currently insufficient to determine the role of this variant in disease. Therefore, it has been classified as a Variant of Uncertain Significance. Algorithms developed to predict the effect of missense changes on protein structure and function output the following: SIFT: "Tolerated"; PolyPhen-2: "Benign"; Align-GVGD: "Class C0". The methionine amino acid residue is found in multiple mammalian species, which suggests that this missense change does not adversely affect protein function. ClinVar contains an entry for this variant (Variation ID: 1400500). This variant has not been reported in the literature in individuals affected with OTOG-related conditions. This variant is present in population databases (rs566656846, gnomAD 0.2%). This sequence change replaces valine, which is neutral and non-polar, with methionine, which is neutral and non-polar, at codon 2719 of the OTOG protein (p.Val2719Met).

Fulgent Genetics
Classification: Uncertain significance for Autosomal recessive nonsyndromic hearing loss 18B. Last evaluated: 2021-08-09. Review status: criteria provided, single submitter. Criteria: ACMG Guidelines, 2015. Collection method: clinical testing. Allele origin: unknown.

NM_001292063.2(OTOG):c.8119G>A (p.Val2707Met)

Gene: OTOG (otogelin; plus strand). Cytogenetic location: 11p15.1.
Variant type: single nucleotide variant.
Coding change: c.8119G>A on transcript NM_001292063.2 (MANE Select); coding-DNA position 8119, G replaced by A.
Protein change: p.Val2707Met; replaces valine 2707 with methionine.
Molecular consequence: missense variant.
Genome position (GRCh38, 1-based): chr11:17,641,020, G>A. VCF-style: chr11-17641020-G-A. GRCh37 (hg19) VCF-style: chr11-17662567-G-A.
Other names: c.8155G>A, p.Val2719Met (NM_001277269.2); short protein forms V2707M, V2719M.
Identifiers: ClinVar variation 1400500 (VCV001400500.6), dbSNP rs566656846, ClinGen allele CA5906230.